The following is an entry in ClinVar:

ClinVar aggregate classification (germline): Pathogenic (1 of 4 stars; one submission).

Conditions:
Long chain 3-hydroxyacyl-CoA dehydrogenase deficiency. Also called: Deficiency of long-chain 3-hydroxyacyl-coenzyme A dehydrogenase; LCHAD Deficiency. Identifiers: Orphanet 5, MedGen C3711645, MONDO:0012173, OMIM 609016.

Submission:

Myriad Genetics, Inc.
Classification: Pathogenic for Long chain 3-hydroxyacyl-CoA dehydrogenase deficiency. Last evaluated: 2024-06-20. Review status: criteria provided, single submitter. Criteria: Myriad Autosomal Dominant, Autosomal Recessive and X-Linked Classification Criteria (2023). Collection method: clinical testing. Allele origin: unknown.
Comment: NM_000182.4(HADHA):c.298dupG(A100Gfs*4) is expected to be pathogenic in the context of HADHA-related disorders. This variant is predicted to lead to an abnormal or absent protein product due to the creation of a premature termination codon in HADHA, a gene where loss-of-function variants are known to be pathogenic. Please note: this variant was assessed in the context of healthy population screening.

NM_000182.5(HADHA):c.298dup (p.Ala100fs)

Gene: HADHA (hydroxyacyl-CoA dehydrogenase trifunctional multienzyme complex subunit alpha; minus strand). Cytogenetic location: 2p23.3.
Variant type: Duplication.
Coding change: c.298dup on transcript NM_000182.5 (MANE Select); coding-DNA position 298, one base duplicated (G; older notation c.298dupG).
Protein change: p.Ala100fs; shifts the reading frame from alanine 100.
Molecular consequence: frameshift variant.
Genome position (GRCh38, 1-based): chr2:26,236,871, C duplicated on the plus strand (G on the coding strand, the reverse complement: HADHA is on the minus strand). VCF-style (leftmost placement, unchanged base first): chr2-26236870-G-GC. GRCh37 (hg19) VCF-style: chr2-26459738-G-GC.
Other names: short protein forms A100fs.
Identifiers: ClinVar variation 5013213 (VCV005013213.1).